The following is an entry in ClinVar:

ClinVar aggregate classification (germline): Uncertain significance (1 of 4 stars; one submission).

Conditions:
Hereditary cancer-predisposing syndrome. Also called: Hereditary Cancer Syndrome; Hereditary neoplastic syndrome; Neoplastic Syndromes, Hereditary; Tumor predisposition. Identifiers: Orphanet 140162, MedGen C0027672, MeSH D009386, MONDO:0015356.

Submission:

Ambry Genetics
Classification: Uncertain significance for Hereditary cancer-predisposing syndrome. Last evaluated: 2020-12-14. Review status: criteria provided, single submitter. Criteria: Ambry Variant Classification Scheme 2023. Collection method: clinical testing. Allele origin: germline.
Comment: The p.S436I variant (also known as c.1307G>T), located in coding exon 11 of the PMS2 gene, results from a G to T substitution at nucleotide position 1307. The serine at codon 436 is replaced by isoleucine, an amino acid with dissimilar properties. This amino acid position is poorly conserved in available vertebrate species. In addition, this alteration is predicted to be tolerated by in silico analysis. Since supporting evidence is limited at this time, the clinical significance of this alteration remains unclear.

NM_000535.7(PMS2):c.1307G>T (p.Ser436Ile)

Gene: PMS2 (PMS1 homolog 2, mismatch repair system component; minus strand). Cytogenetic location: 7p22.1.
Variant type: single nucleotide variant.
Coding change: c.1307G>T on transcript NM_000535.7 (MANE Select); coding-DNA position 1307, G replaced by T.
Protein change: p.Ser436Ile; replaces serine 436 with isoleucine.
Molecular consequence: missense variant. On other transcripts: non-coding transcript variant (1).
Genome position (GRCh38, 1-based): chr7:5,987,458, C>A on the plus strand (G>T on the coding strand, the complement: PMS2 is on the minus strand). VCF-style: chr7-5987458-C-A. GRCh37 (hg19) VCF-style: chr7-6027089-C-A.
Other names: c.902G>T, p.Ser301Ile (NM_001018040.1, NM_001322003.2, NM_001322004.2 and 17 more transcripts); c.1151G>T, p.Ser384Ile (NM_001322006.2, NM_001406870.1); c.989G>T, p.Ser330Ile (NM_001322007.2, NM_001322008.2, NM_001406876.1 and 2 more transcripts); c.746G>T, p.Ser249Ile (NM_001322010.2, NM_001406906.1, NM_001406907.1); c.374G>T, p.Ser125Ile (NM_001322011.2, NM_001322012.2); c.734G>T, p.Ser245Ile (NM_001322013.2, NM_001406909.1); c.1307G>T, p.Ser436Ile (NM_001322014.2, NM_001406871.1, NM_001406872.1); c.998G>T, p.Ser333Ile (NM_001322015.2, NM_001406875.1, NM_001406877.1 and 5 more transcripts); and 12 more; short protein forms S245I, S265I, S328I, S370I, S380I, S436I, S281I, S324I.
Identifiers: ClinVar variation 1769550 (VCV001769550.2), dbSNP rs876658441, ClinGen allele CA366742367.